The following is an entry in ClinVar:

ClinVar aggregate classification (germline): Uncertain significance (1 of 4 stars; one submission).

Conditions:
Emery-Dreifuss muscular dystrophy 4, autosomal dominant (EDMD4). Also called: EMERY-DREIFUSS MUSCULAR DYSTROPHY 4 WITH VARIABLE FEATURES. Identifiers: Orphanet 261, MedGen C2751807, MONDO:0013071, OMIM 612998.
Autosomal recessive ataxia, Beauce type. Also called: Spinocerebellar ataxia, autosomal recessive 8; ATAXIA, RECESSIVE, OF BEAUCE; SYNE1 Deficiency; SYNE1-Related Autosomal Recessive Cerebellar Ataxia. Identifiers: Orphanet 88644, MedGen C1853116, MONDO:0012549, OMIM 610743.

Allele frequency attached by ClinVar (database versions not stated): gnomAD 0.00001; TOPMed 0.00001; gnomAD exomes 0.00003.
gnomAD v4.1: 38 of 1,614,010 alleles (0.0024%); highest among the groups gnomAD compares: Non-Finnish European, 0.0031%; no homozygotes.

Submission:

Labcorp Genetics (formerly Invitae), Labcorp
Classification: Uncertain significance for Emery-Dreifuss muscular dystrophy 4, autosomal dominant; Autosomal recessive ataxia, Beauce type. Last evaluated: 2021-11-16. Review status: criteria provided, single submitter. Criteria: Invitae Variant Classification Sherloc (09022015). Collection method: clinical testing. Allele origin: germline.
Comment: In summary, the available evidence is currently insufficient to determine the role of this variant in disease. Therefore, it has been classified as a Variant of Uncertain Significance. Algorithms developed to predict the effect of missense changes on protein structure and function (SIFT, PolyPhen-2, Align-GVGD) all suggest that this variant is likely to be tolerated. This variant has not been reported in the literature in individuals affected with SYNE1-related conditions. This variant is not present in population databases (gnomAD no frequency). This sequence change replaces histidine, which is basic and polar, with asparagine, which is neutral and polar, at codon 3165 of the SYNE1 protein (p.His3165Asn).

NM_182961.4(SYNE1):c.9472C>A (p.His3158Asn)

Gene: SYNE1 (spectrin repeat containing nuclear envelope protein 1; minus strand). Cytogenetic location: 6q25.2.
Variant type: single nucleotide variant.
Coding change: c.9472C>A on transcript NM_182961.4 (MANE Select); coding-DNA position 9472, C replaced by A.
Protein change: p.His3158Asn; replaces histidine 3158 with asparagine.
Molecular consequence: missense variant.
Genome position (GRCh38, 1-based): chr6:152,373,072, G>T on the plus strand (C>A on the coding strand, the complement: SYNE1 is on the minus strand). VCF-style: chr6-152373072-G-T. GRCh37 (hg19) VCF-style: chr6-152694207-G-T.
Other names: c.9493C>A, p.His3165Asn (NM_033071.5); short protein forms H3158N, H3165N.
Identifiers: ClinVar variation 1448053 (VCV001448053.6), dbSNP rs1484236534, ClinGen allele CA366139801.